The following is an entry in ClinVar:

ClinVar aggregate classification (germline): Uncertain significance (1 of 4 stars; one submission).

gnomAD v4.1: 12 of 1,613,346 alleles (0.00074%); highest among the groups gnomAD compares: East Asian, 0.0022%; no homozygotes.

Submission:

Labcorp Genetics (formerly Invitae), Labcorp
Classification: Uncertain significance. Last evaluated: 2025-10-06. Review status: criteria provided, single submitter. Criteria: Invitae Variant Classification Sherloc (09022015). Collection method: clinical testing. Allele origin: germline.
Comment: This sequence change replaces aspartic acid, which is acidic and polar, with histidine, which is basic and polar, at codon 798 of the PDE6B protein (p.Asp798His). This variant is not present in population databases (gnomAD no frequency). This variant has not been reported in the literature in individuals affected with PDE6B-related conditions. Invitae Evidence Modeling of protein sequence and biophysical properties (such as structural, functional, and spatial information, amino acid conservation, physicochemical variation, residue mobility, and thermodynamic stability) has been performed for this missense variant. However, the output from this modeling did not meet the statistical confidence thresholds required to predict the impact of this variant on PDE6B protein function. In summary, the available evidence is currently insufficient to determine the role of this variant in disease. Therefore, it has been classified as a Variant of Uncertain Significance.

NM_000283.4(PDE6B):c.2392G>C (p.Asp798His)

Gene: PDE6B (phosphodiesterase 6B; plus strand). Cytogenetic location: 4p16.3.
Variant type: single nucleotide variant.
Coding change: c.2392G>C on transcript NM_000283.4 (MANE Select); coding-DNA position 2392, G replaced by C.
Protein change: p.Asp798His; replaces aspartic acid 798 with histidine.
Molecular consequence: missense variant. On other transcripts: intron variant (1).
Genome position (GRCh38, 1-based): chr4:667,895, G>C. VCF-style: chr4-667895-G-C. GRCh37 (hg19) VCF-style: chr4-661684-G-C.
Other names: c.2392G>C, p.Asp798His (NM_001145291.2, NM_001440547.1); c.1555G>C, p.Asp519His (NM_001145292.2, NM_001350154.3, NM_001379246.1 and 1 more transcripts); c.1237G>C, p.Asp413His (NM_001350155.3); c.2352+1281G>C (NM_001440548.1); short protein forms D413H, D519H, D798H.
Identifiers: ClinVar variation 4807319 (VCV004807319.1).